The following is an entry in ClinVar:

ClinVar aggregate classification (germline): Likely benign (1 of 4 stars; one submission).

Conditions:
ANO6-related disorder. Also called: ANO6-related condition.

Submissions (2):

PreventionGenetics, part of Exact Sciences
Classification: Likely benign for ANO6-related condition. Last evaluated: 2025-01-28. Review status: criteria provided, single submitter. Criteria: ACMG Guidelines, 2015. Collection method: clinical testing. Allele origin: germline.
Comment: This variant is classified as likely benign based on ACMG/AMP sequence variant interpretation guidelines (Richards et al. 2015 PMID: 25741868, with internal and published modifications).

Dr. Peter K. Rogan Lab, Western University
No classification provided (evidence only). Condition: Malignant tumor of esophagus. Review status: no classification provided. Collection method: in vitro. Allele origin: not applicable. Functional consequence: retained intron. Not counted in ClinVar's aggregate classification.

NM_001142679.2(ANO6):c.2527-6A>T

Gene: ANO6 (anoctamin 6; plus strand). Cytogenetic location: 12q12.
Variant type: single nucleotide variant.
Coding change: c.2527-6A>T on transcript NM_001142679.2; 6 bases into the intron before coding-DNA position 2527, A replaced by T.
Molecular consequence: intron variant.
Genome position (GRCh38, 1-based): chr12:45,439,669, A>T. VCF-style: chr12-45439669-A-T. GRCh37 (hg19) VCF-style: chr12-45833452-A-T.
Other names: NC_000012.11:g.45833452A>T; c.2527-6A>T (NM_001142679.1).
Identifiers: ClinVar variation 4384427 (VCV004384427.2).
Genomic context (GRCh38, chr12:45,439,669, plus strand): 5'-ACAATAATTACCAGAGTATTCAAGATATGATTTAATTGCTTTTTTTTTTTTTTTTTTTTG[A>T]GACAGTATCTCGCTTTGTTGCCCAGGCTGGGACACAGTGGCATGATCTTGGCTCACTGCA-3'